The following is an entry in ClinVar:

ClinVar aggregate classification (germline): Uncertain significance (1 of 4 stars; one submission).

Conditions:
Congenital adrenal hyperplasia due to cytochrome P450 oxidoreductase deficiency. Also called: DISORDERED STEROIDOGENESIS DUE TO POR DEFICIENCY. Identifiers: Orphanet 95699, MedGen C1860042, MONDO:0013310, OMIM 613571.

Allele frequency attached by ClinVar (database versions not stated): gnomAD exomes 0.00001 and 0.00002; gnomAD 0.00002 and 0.00003; ExAC 0.00003; TOPMed 0.00003.
gnomAD v4.1: 37 of 1,612,378 alleles (0.0023%); highest among the groups gnomAD compares: Non-Finnish European, 0.003%; no homozygotes.

Submission:

Labcorp Genetics (formerly Invitae), Labcorp
Classification: Uncertain significance for Congenital adrenal hyperplasia due to cytochrome P450 oxidoreductase deficiency. Last evaluated: 2023-12-11. Review status: criteria provided, single submitter. Criteria: Invitae Variant Classification Sherloc (09022015). Collection method: clinical testing. Allele origin: germline.
Comment: This sequence change replaces alanine, which is neutral and non-polar, with valine, which is neutral and non-polar, at codon 661 of the POR protein (p.Ala661Val). This variant is present in population databases (rs782753228, gnomAD 0.007%). This variant has not been reported in the literature in individuals affected with POR-related conditions. ClinVar contains an entry for this variant (Variation ID: 1437430). Advanced modeling of protein sequence and biophysical properties (such as structural, functional, and spatial information, amino acid conservation, physicochemical variation, residue mobility, and thermodynamic stability) performed at Invitae indicates that this missense variant is not expected to disrupt POR protein function with a negative predictive value of 80%. In summary, the available evidence is currently insufficient to determine the role of this variant in disease. Therefore, it has been classified as a Variant of Uncertain Significance.

NM_001395413.1(POR):c.1973C>T (p.Ala658Val)

Gene: POR (cytochrome p450 oxidoreductase; plus strand). Cytogenetic location: 7q11.23.
Variant type: single nucleotide variant.
Coding change: c.1973C>T on transcript NM_001395413.1 (MANE Select); coding-DNA position 1973, C replaced by T.
Protein change: p.Ala658Val; replaces alanine 658 with valine.
Molecular consequence: missense variant.
Genome position (GRCh38, 1-based): chr7:75,986,420, C>T. VCF-style: chr7-75986420-C-T. GRCh37 (hg19) VCF-style: chr7-75615738-C-T.
Other names: c.1973C>T, p.Ala658Val (NM_001367562.3, NM_001382657.2, NM_001382658.3 and 1 more transcripts); c.2027C>T, p.Ala676Val (NM_001382655.3); c.1823C>T, p.Ala608Val (NM_001382662.3); short protein forms A608V, A658V, A676V.
Identifiers: ClinVar variation 1437430 (VCV001437430.8), dbSNP rs782753228, ClinGen allele CA4304391.